The following is an entry in ClinVar:

NM_018417.6(ADCY10):c.257T>C (p.Val86Ala)

Genes: ADCY10 (adenylate cyclase 10; minus strand), DCAF6 (DDB1 and CUL4 associated factor 6; plus strand). Cytogenetic location: 1q24.2.
Variant type: single nucleotide variant.
Coding change: c.257T>C on transcript NM_018417.6 (MANE Select); coding-DNA position 257, T replaced by C.
Protein change: p.Val86Ala; replaces valine 86 with alanine.
Molecular consequence: missense variant. On other transcripts: 5 prime UTR variant (2).
Genome position (GRCh38, 1-based): chr1:167,902,051, A>G on the plus strand (T>C on the coding strand, the complement: ADCY10 is on the minus strand). VCF-style: chr1-167902051-A-G. GRCh37 (hg19) VCF-style: chr1-167871289-A-G.
Other names: c.257T>C (NM_018417.4); c.-59T>C (NM_001167749.3); c.-57T>C (NM_001297772.2); short protein forms V86A.
Identifiers: ClinVar variation 2585314 (VCV002585314.2), dbSNP rs749527318, ClinGen allele CA1228347.

ClinVar aggregate classification (germline): Uncertain significance. Review status: criteria provided, multiple submitters, no conflicts (2 of 4 stars). 2 submissions from 2 submitters: Uncertain significance (2). Last evaluated 2025-08-14.

Conditions:
Familial idiopathic hypercalciuria (HCA2). Also called: Hypercalciuria, absorptive, 2; Hypercalciuria, absorptive, susceptibility to. Identifiers: MedGen C0342639, MONDO:0007748, OMIM 143870.

Allele frequency attached by ClinVar (database versions not stated): TOPMed below 0.00001; gnomAD exomes 0.00001; ExAC 0.00002.
gnomAD v4.1: 16 of 1,604,842 alleles (0.001%); highest among the groups gnomAD compares: South Asian, 0.018%; no homozygotes.

Submissions (2):

Ambry Genetics
Classification: Uncertain significance. Last evaluated: 2025-08-14. Review status: criteria provided, single submitter. Criteria: Ambry Variant Classification Scheme 2023. Collection method: clinical testing. Allele origin: germline.

Neuberg Centre For Genomic Medicine, NCGM
Classification: Uncertain significance for Familial idiopathic hypercalciuria. Review status: criteria provided, single submitter. Criteria: ACMG Guidelines, 2015. Collection method: clinical testing. Allele origin: germline. Inheritance: Autosomal dominant inheritance. Affected: yes.
Comment: The missense variant in c.257T>C (p.Val86Ala) in ADCY10 gene has not been reported previously as a pathogenic variant nor as a benign variant, to our knowledge. The p.Val86Ala variant is novel (not in any individuals) in 1000 Genomes. It has allele frequency of 0.0008% in gnomAD database. The amino acid Val at position 86 is changed to a Ala changing protein sequence and it might alter its composition and physico-chemical properties. The variant is predicted to be damaging by both SIFT and PolyPhen2. The amino acid change p.Val86Ala in ADCY10 is predicted as conserved by GERP++ and PhyloP across 100 vertebrates. For these reasons, this variant has been classified as Uncertain Significance.